The following is an entry in ClinVar:

ClinVar aggregate classification (germline): Pathogenic (1 of 4 stars; one submission).

Conditions:
Arterial tortuosity syndrome (ATORS). Identifiers: Orphanet 3342, MedGen C1859726, MONDO:0008818, OMIM 208050.

gnomAD v4.1: 4 of 1,613,918 alleles (0.00025%); highest among the groups gnomAD compares: East Asian, 0.0089%; no homozygotes.

Submission:

Labcorp Genetics (formerly Invitae), Labcorp
Classification: Pathogenic for Arterial tortuosity syndrome. Last evaluated: 2025-11-28. Review status: criteria provided, single submitter. Criteria: Invitae Variant Classification Sherloc (09022015). Collection method: clinical testing. Allele origin: germline.
Comment: This sequence change replaces cysteine, which is neutral and slightly polar, with tryptophan, which is neutral and slightly polar, at codon 304 of the SLC2A10 protein (p.Cys304Trp). This variant is present in population databases (rs774901876, gnomAD 0.01%). This missense change has been observed in individual(s) with arterial tortuosity syndrome (PMID: 34384376). In at least one individual the data is consistent with being in trans (on the opposite chromosome) from a pathogenic variant. Invitae Evidence Modeling of protein sequence and biophysical properties (such as structural, functional, and spatial information, amino acid conservation, physicochemical variation, residue mobility, and thermodynamic stability) indicates that this missense variant is expected to disrupt SLC2A10 protein function with a positive predictive value of 95%. For these reasons, this variant has been classified as Pathogenic.

Literature cited by the submitters: PubMed 34384376.

NM_030777.4(SLC2A10):c.912T>G (p.Cys304Trp)

Gene: SLC2A10 (solute carrier family 2 member 10; plus strand). Cytogenetic location: 20q13.12.
Variant type: single nucleotide variant.
Coding change: c.912T>G on transcript NM_030777.4 (MANE Select); coding-DNA position 912, T replaced by G.
Protein change: p.Cys304Trp; replaces cysteine 304 with tryptophan.
Molecular consequence: missense variant.
Genome position (GRCh38, 1-based): chr20:46,725,948, T>G. VCF-style: chr20-46725948-T-G. GRCh37 (hg19) VCF-style: chr20-45354587-T-G.
Other names: short protein forms C304W.
Identifiers: ClinVar variation 4763906 (VCV004763906.1).
Genomic context (GRCh38, chr20:46,725,948, plus strand): 5'-CCTGACCGCCATGGGGCTGGTGGACCGTGCAGGCCGCAGGGCTCTGTTGCTAGCTGGCTG[T>G]GCCCTCATGGCCCTGTCCGTCAGTGGCATAGGCCTCGTCAGCTTTGCCGTGCCCATGGAC-3'
Protein context (NP_110404.1, residues 294-314): AGRRALLLAG[Cys304Trp]ALMALSVSGI